The following is an entry in ClinVar:

NM_017780.4(CHD7):c.3572_3573del (p.Lys1191fs)

Gene: CHD7 (chromodomain helicase DNA binding protein 7; plus strand). Cytogenetic location: 8q12.2.
Variant type: Deletion.
Coding change: c.3572_3573del on transcript NM_017780.4 (MANE Select); coding-DNA positions 3572 to 3573, 2 bases deleted (AA; older notation c.3572_3573delAA).
Protein change: p.Lys1191fs; shifts the reading frame from lysine 1191.
Molecular consequence: frameshift variant. On other transcripts: intron variant (1).
Genome position (GRCh38, 1-based): chr8:60,830,371-60,830,372, AA deleted; deleting any 2 consecutive bases within chr8:60,830,370-60,830,372 gives the same sequence; the c. name uses the placement nearest the transcript's 3' end. VCF-style (leftmost placement, unchanged base first): chr8-60830369-CAA-C. GRCh37 (hg19) VCF-style: chr8-61742928-CAA-C.
Other names: c.3572_3573del (LRG_176t1, NM_017780.2); c.3572_3573delAA (NM_017780.2); c.1717-31858_1717-31857del (NM_001316690.1); short protein forms K1191fs.
Identifiers: ClinVar variation 267426 (VCV000267426.5), dbSNP rs886040987, ClinGen allele CA10602493.

ClinVar aggregate classification (germline): Pathogenic. Review status: criteria provided, multiple submitters, no conflicts (2 of 4 stars). 2 submissions from 2 submitters: Pathogenic (2). Last evaluated 2024-03-07.

Conditions:
CHARGE syndrome (CHARGE). Also called: Hittner Hirsch Kreh syndrome; Coloboma, heart anomaly, choanal atresia, retardation, genital and ear anomalies; CHARGE association; Hall-Hittner syndrome; CHARGE ASSOCIATION--COLOBOMA, HEART ANOMALY, CHOANAL ATRESIA, RETARDATION, GENITAL AND EAR ANOMALIES. Identifiers: Orphanet 138, MedGen C0265354, MONDO:0008965.

Submissions (2):

GeneDx
Classification: Pathogenic. Last evaluated: 2024-03-07. Review status: criteria provided, single submitter. Criteria: GeneDx Variant Classification Process June 2021. Collection method: clinical testing. Allele origin: germline. Affected: yes.
Comment: Has been reported previously in association with features suggestive of CHARGE syndrome (PMID: 21158681, 36068917); Frameshift variant predicted to result in protein truncation or nonsense mediated decay in a gene for which loss-of-function is a known mechanism of disease; Not observed at significant frequency in large population cohorts (gnomAD); This variant is associated with the following publications: (PMID: 21158681, 36068917)

Genomic Diagnostic Laboratory, Division of Genomic Diagnostics, Children's Hospital of Philadelphia
Classification: Pathogenic for CHARGE syndrome. Last evaluated: 2016-09-05. Review status: criteria provided, single submitter. Criteria: DGD Variant Analysis Guidelines. Collection method: clinical testing. Allele origin: germline. Affected: yes. Observed: 1 variant allele.
Comment: Clinical Testing